The following is an entry in ClinVar:

ClinVar aggregate classification (germline): Uncertain significance. Review status: criteria provided, multiple submitters, no conflicts (2 of 4 stars). 2 submissions from 2 submitters: Uncertain significance (2). Last evaluated 2025-05-17.

Conditions:
KBG syndrome (KBGS). Also called: ANKRD11-Related KBG Syndrome. Identifiers: Orphanet 2332, MedGen C0220687, MONDO:0007846, OMIM 148050.
Inborn genetic diseases. Identifiers: MedGen C0950123, MeSH D030342.

gnomAD v4.1: 3 of 1,608,678 alleles (0.00019%); highest among the groups gnomAD compares: African/African-American, 0.004%; no homozygotes.

Submissions (2):

Ambry Genetics
Classification: Uncertain significance for Inborn genetic diseases. Last evaluated: 2025-05-17. Review status: criteria provided, single submitter. Criteria: Ambry Variant Classification Scheme 2023. Collection method: clinical testing. Allele origin: germline.

Labcorp Genetics (formerly Invitae), Labcorp
Classification: Uncertain significance for KBG syndrome. Last evaluated: 2024-12-15. Review status: criteria provided, single submitter. Criteria: Invitae Variant Classification Sherloc (09022015). Collection method: clinical testing. Allele origin: germline.
Comment: This sequence change replaces alanine, which is neutral and non-polar, with glycine, which is neutral and non-polar, at codon 2090 of the ANKRD11 protein (p.Ala2090Gly). This variant is present in population databases (rs776927590, gnomAD 0.01%). This variant has not been reported in the literature in individuals affected with ANKRD11-related conditions. Invitae Evidence Modeling of protein sequence and biophysical properties (such as structural, functional, and spatial information, amino acid conservation, physicochemical variation, residue mobility, and thermodynamic stability) indicates that this missense variant is not expected to disrupt ANKRD11 protein function with a negative predictive value of 95%. In summary, the available evidence is currently insufficient to determine the role of this variant in disease. Therefore, it has been classified as a Variant of Uncertain Significance.

NM_013275.6(ANKRD11):c.6269C>G (p.Ala2090Gly)

Gene: ANKRD11 (ankyrin repeat domain 11; minus strand). Cytogenetic location: 16q24.3.
Variant type: single nucleotide variant.
Coding change: c.6269C>G on transcript NM_013275.6 (MANE Select); coding-DNA position 6269, C replaced by G.
Protein change: p.Ala2090Gly; replaces alanine 2090 with glycine.
Molecular consequence: missense variant.
Genome position (GRCh38, 1-based): chr16:89,280,273, G>C on the plus strand (C>G on the coding strand, the complement: ANKRD11 is on the minus strand). VCF-style: chr16-89280273-G-C. GRCh37 (hg19) VCF-style: chr16-89346681-G-C.
Other names: c.6269C>G, p.Ala2090Gly (NM_001256182.2, NM_001256183.2); c.6269C>G (NM_013275.4); short protein forms A2090G.
Identifiers: ClinVar variation 3694157 (VCV003694157.3).
Genomic context (GRCh38, chr16:89,280,273, plus strand): 5'-GACAGGCCGCGGCTGCCGTCCAGGAAGCTATTTTCCAGGGGCCCCAGAGCCTCCACCTGA[G>C]CCACAGCGGCTACACAGGCGGGCTCGGGGGCCACGTCCAGCGGGGCTTCCGGAAGTGACT-3'
Protein context (NP_037407.4, residues 2080-2100): APEPACVAAV[Ala2090Gly]QVEALGPLEN